The following is an entry in ClinVar:

NM_002206.3(ITGA7):c.2070G>C (p.Met690Ile)

Genes: ITGA7 (integrin subunit alpha 7; minus strand), LOC126861535 (CDK7 strongly-dependent group 2 enhancer GRCh37_chr12:56087579-56088778; plus strand). Cytogenetic location: 12q13.2.
Variant type: single nucleotide variant.
Coding change: c.2070G>C on transcript NM_002206.3 (MANE Select); coding-DNA position 2070, G replaced by C.
Protein change: p.Met690Ile; replaces methionine 690 with isoleucine.
Molecular consequence: missense variant.
Genome position (GRCh38, 1-based): chr12:55,694,904, C>G on the plus strand (G>C on the coding strand, the complement: ITGA7 is on the minus strand). VCF-style: chr12-55694904-C-G. GRCh37 (hg19) VCF-style: chr12-56088688-C-G.
Other names: c.2082G>C, p.Met694Ile (NM_001144996.2); c.1791G>C, p.Met597Ile (NM_001144997.2); c.1743G>C, p.Met581Ile (NM_001367993.1); c.726G>C, p.Met242Ile (NM_001367994.1); c.2052G>C, p.Met684Ile (NM_001374465.1); c.2202G>C, p.Met734Ile (NM_001410977.1); c.2064G>C, p.Met688Ile (NM_001414029.1); c.1995G>C, p.Met665Ile (NM_001414030.1); and 4 more; short protein forms M581I, M597I, M684I, M690I, M242I, M694I, M734I, M577I.
Identifiers: ClinVar variation 1516686 (VCV001516686.8), dbSNP rs1872299582, ClinGen allele CA385184401.

ClinVar aggregate classification (germline): Uncertain significance (1 of 4 stars; one submission).

Conditions:
Congenital muscular dystrophy due to integrin alpha-7 deficiency. Also called: MYOPATHY, CONGENITAL, DUE TO INTEGRIN ALPHA-7 DEFICIENCY; Congenital muscular dystrophy with integrin alpha-7 deficiency; Muscular dystrophy, congenital, due to ITGA7 deficiency. Identifiers: Orphanet 34520, MedGen C2750786, MONDO:0013177, OMIM 613204.

Allele frequency attached by ClinVar (database versions not stated): gnomAD exomes below 0.00001.
gnomAD v4.1: 1 of 1,614,056 alleles (0.000062%); highest among the groups gnomAD compares: African/African-American, 0.0013%; no homozygotes.

Submission:

Labcorp Genetics (formerly Invitae), Labcorp
Classification: Uncertain significance for Congenital muscular dystrophy due to integrin alpha-7 deficiency. Last evaluated: 2021-06-30. Review status: criteria provided, single submitter. Criteria: Invitae Variant Classification Sherloc (09022015). Collection method: clinical testing. Allele origin: germline.
Comment: This sequence change replaces methionine with isoleucine at codon 690 of the ITGA7 protein (p.Met690Ile). The methionine residue is weakly conserved and there is a small physicochemical difference between methionine and isoleucine. This variant is not present in population databases (ExAC no frequency). This variant has not been reported in the literature in individuals affected with ITGA7-related conditions. Algorithms developed to predict the effect of missense changes on protein structure and function are either unavailable or do not agree on the potential impact of this missense change (SIFT: "Deleterious"; PolyPhen-2: "Benign"; Align-GVGD: "Class C0"). In summary, the available evidence is currently insufficient to determine the role of this variant in disease. Therefore, it has been classified as a Variant of Uncertain Significance.